The following is an entry in ClinVar:

ClinVar aggregate classification (germline): Uncertain significance. Review status: criteria provided, multiple submitters, no conflicts (2 of 4 stars). 2 submissions from 2 submitters: Uncertain significance (2). Last evaluated 2025-07-22.

Allele frequency attached by ClinVar (database versions not stated): gnomAD exomes 0.00002; TOPMed 0.00002.
gnomAD v4.1: 32 of 1,590,334 alleles (0.002%); highest among the groups gnomAD compares: African/African-American, 0.0027%; no homozygotes.

Submissions (2):

Ambry Genetics
Classification: Uncertain significance. Last evaluated: 2025-07-22. Review status: criteria provided, single submitter. Criteria: Ambry Variant Classification Scheme 2023. Collection method: clinical testing. Allele origin: germline.

Labcorp Genetics (formerly Invitae), Labcorp
Classification: Uncertain significance. Last evaluated: 2024-03-19. Review status: criteria provided, single submitter. Criteria: Invitae Variant Classification Sherloc (09022015). Collection method: clinical testing. Allele origin: germline.
Comment: This sequence change replaces arginine, which is basic and polar, with tryptophan, which is neutral and slightly polar, at codon 183 of the FSCN2 protein (p.Arg183Trp). The frequency data for this variant in the population databases is considered unreliable, as metrics indicate poor data quality at this position in the gnomAD database. This variant has not been reported in the literature in individuals affected with FSCN2-related conditions. ClinVar contains an entry for this variant (Variation ID: 1053128). An algorithm developed to predict the effect of missense changes on protein structure and function (PolyPhen-2) suggests that this variant is likely to be disruptive. In summary, the available evidence is currently insufficient to determine the role of this variant in disease. Therefore, it has been classified as a Variant of Uncertain Significance.

NM_012418.4(FSCN2):c.547C>T (p.Arg183Trp)

Gene: FSCN2 (fascin actin-bundling protein 2, retinal; plus strand). Cytogenetic location: 17q25.3.
Variant type: single nucleotide variant.
Coding change: c.547C>T on transcript NM_012418.4 (MANE Select); coding-DNA position 547, C replaced by T.
Protein change: p.Arg183Trp; replaces arginine 183 with tryptophan.
Molecular consequence: missense variant.
Genome position (GRCh38, 1-based): chr17:81,529,078, C>T. VCF-style: chr17-81529078-C-T. GRCh37 (hg19) VCF-style: chr17-79496104-C-T.
Other names: c.547C>T (NM_001077182.2); c.547C>T, p.Arg183Trp (NM_001077182.3); short protein forms R183W.
Identifiers: ClinVar variation 1053128 (VCV001053128.10), dbSNP rs782118960, ClinGen allele CA8836713.